The following is an entry in ClinVar:

NM_000091.5(COL4A3):c.4064C>T (p.Ser1355Phe)

Genes: COL4A3 (collagen type IV alpha 3 chain; plus strand), MFF-DT (MFF divergent transcript; minus strand). Cytogenetic location: 2q36.3.
Variant type: single nucleotide variant.
Coding change: c.4064C>T on transcript NM_000091.5 (MANE Select); coding-DNA position 4064, C replaced by T.
Protein change: p.Ser1355Phe; replaces serine 1355 with phenylalanine.
Molecular consequence: missense variant.
Genome position (GRCh38, 1-based): chr2:227,304,055, C>T. VCF-style: chr2-227304055-C-T. GRCh37 (hg19) VCF-style: chr2-228168771-C-T.
Other names: short protein forms S1355F.
Identifiers: ClinVar variation 2503118 (VCV002503118.1), dbSNP rs959713450, ClinGen allele CA66615353.

ClinVar aggregate classification (germline): Uncertain significance (1 of 4 stars; one submission).

Submission:

GeneDx
Classification: Uncertain significance. Last evaluated: 2022-11-23. Review status: criteria provided, single submitter. Criteria: GeneDx Variant Classification Process June 2021. Collection method: clinical testing. Allele origin: germline. Affected: yes.
Comment: Not observed at significant frequency in large population cohorts (gnomAD); In silico analysis supports that this missense variant does not alter protein structure/function; Has not been previously published as pathogenic or benign to our knowledge